The following is an entry in ClinVar:

ClinVar aggregate classification (germline): Uncertain significance (1 of 4 stars; one submission).

Conditions:
Malignant hyperthermia, susceptibility to, 1 (MHS1). Also called: Anesthesia related hyperthermia; Malignant hyperpyrexia; Fulminating hyperpyrexia; Pharmacogenic myopathy; RYR1-Related Malignant Hyperthermia Susceptibility; Malignant hyperthermia suceptibility 1. Identifiers: Orphanet 423, MedGen C2930980, MONDO:0007783, OMIM 145600.

Submission:

All of Us Research Program, National Institutes of Health
Classification: Uncertain significance for Malignant hyperthermia, susceptibility to, 1. Last evaluated: 2023-06-26. Review status: criteria provided, single submitter. Criteria: ACMG Guidelines, 2015. Collection method: clinical testing. Allele origin: germline. Inheritance: Autosomal dominant inheritance. Observed: 1 variant allele, 1 heterozygote.
Comment: This missense variant replaces tyrosine with cysteine at codon 713 of the RYR1 protein. Computational prediction is inconclusive regarding the impact of this variant on protein structure and function (internally defined REVEL score threshold 0.5 < inconclusive < 0.7, PMID: 27666373). To our knowledge, functional studies have not been reported for this variant. This variant has not been reported in individuals affected with RYR1-related disorders in the literature. This variant has not been identified in the general population by the Genome Aggregation Database (gnomAD). The available evidence is insufficient to determine the role of this variant in disease conclusively. Therefore, this variant is classified as a Variant of Uncertain Significance.

This study involves interpretation of variants in research participants for the purpose of population health screening. Participant phenotype was not available at the time of variant classification. Additional details can be found in publication PMID: 35346344, PMCID: PMC8962531

NM_000540.3(RYR1):c.2138A>G (p.Tyr713Cys)

Gene: RYR1 (ryanodine receptor 1; plus strand). Cytogenetic location: 19q13.2.
Variant type: single nucleotide variant.
Coding change: c.2138A>G on transcript NM_000540.3 (MANE Select); coding-DNA position 2138, A replaced by G.
Protein change: p.Tyr713Cys; replaces tyrosine 713 with cysteine.
Molecular consequence: missense variant.
Genome position (GRCh38, 1-based): chr19:38,458,263, A>G. VCF-style: chr19-38458263-A-G. GRCh37 (hg19) VCF-style: chr19-38948903-A-G.
Other names: c.2138A>G, p.Tyr713Cys (NM_001042723.2); short protein forms Y713C.
Identifiers: ClinVar variation 3071964 (VCV003071964.1), dbSNP rs2514043098, ClinGen allele CA405697772.